The following is an entry in ClinVar:

NM_053025.4(MYLK):c.3316G>C (p.Asp1106His)

Gene: MYLK (myosin light chain kinase; minus strand). Cytogenetic location: 3q21.1.
Variant type: single nucleotide variant.
Coding change: c.3316G>C on transcript NM_053025.4 (MANE Select); coding-DNA position 3316, G replaced by C.
Protein change: p.Asp1106His; replaces aspartic acid 1106 with histidine.
Molecular consequence: missense variant.
Genome position (GRCh38, 1-based): chr3:123,700,152, C>G on the plus strand (G>C on the coding strand, the complement: MYLK is on the minus strand). VCF-style: chr3-123700152-C-G. GRCh37 (hg19) VCF-style: chr3-123418999-C-G.
Other names: c.3109G>C, p.Asp1037His (NM_053028.4, NM_053026.4); c.2788G>C, p.Asp930His (NM_001321309.2); c.3316G>C, p.Asp1106His (NM_053027.4); short protein forms D930H, D1106H, D1037H.
Identifiers: ClinVar variation 846663 (VCV000846663.9), dbSNP rs1279342455, ClinGen allele CA354229336.

ClinVar aggregate classification (germline): Uncertain significance (1 of 4 stars; one submission).

Conditions:
Aortic aneurysm, familial thoracic 7 (AAT7). Also called: AORTIC DISSECTION, FAMILIAL, WITH OR WITHOUT AORTIC ANEURYSM. Identifiers: MedGen C3151077, MONDO:0013418, OMIM 613780.

Allele frequency attached by ClinVar (database versions not stated): TOPMed below 0.00001; gnomAD 0.00001.
gnomAD v4.1: 1 of 1,613,890 alleles (0.000062%); highest among the groups gnomAD compares: Non-Finnish European, 0.000085%; no homozygotes.

Submission:

Labcorp Genetics (formerly Invitae), Labcorp
Classification: Uncertain significance for Aortic aneurysm, familial thoracic 7. Last evaluated: 2025-09-20. Review status: criteria provided, single submitter. Criteria: Invitae Variant Classification Sherloc (09022015). Collection method: clinical testing. Allele origin: germline.
Comment: This sequence change replaces aspartic acid, which is acidic and polar, with histidine, which is basic and polar, at codon 1106 of the MYLK protein (p.Asp1106His). This variant is not present in population databases (gnomAD no frequency). This variant has not been reported in the literature in individuals affected with MYLK-related conditions. ClinVar contains an entry for this variant (Variation ID: 846663). Invitae Evidence Modeling of protein sequence and biophysical properties (such as structural, functional, and spatial information, amino acid conservation, physicochemical variation, residue mobility, and thermodynamic stability) indicates that this missense variant is not expected to disrupt MYLK protein function with a negative predictive value of 80%. In summary, the available evidence is currently insufficient to determine the role of this variant in disease. Therefore, it has been classified as a Variant of Uncertain Significance.